The following is an entry in ClinVar:

ClinVar aggregate classification (germline): Benign. Review status: criteria provided, multiple submitters, no conflicts (2 of 4 stars). 2 submissions from 2 submitters: Benign (2). Last evaluated 2018-06-16.

Allele frequency attached by ClinVar (database versions not stated): gnomAD 0.01700 and 0.01831; 1000 Genomes Project 0.01917; TOPMed 0.01988; 1000 Genomes Project 30x 0.02217.
gnomAD v4.1: 2,559 of 151,794 alleles (1.7%); highest among the groups gnomAD compares: African/African-American, 5.9%; 76 homozygotes.

Submissions (2):

GeneDx
Classification: Benign. Last evaluated: 2018-06-16. Review status: criteria provided, single submitter. Criteria: GeneDx Variant Classification (06012015). Collection method: clinical testing. Allele origin: germline. Affected: yes.
Comment: This variant is considered likely benign or benign based on one or more of the following criteria: it is a conservative change, it occurs at a poorly conserved position in the protein, it is predicted to be benign by multiple in silico algorithms, and/or has population frequency not consistent with disease.

Breakthrough Genomics
Classification: Benign. Review status: criteria provided, single submitter. Criteria: ACMG Guidelines, 2015. Collection method: not provided. Allele origin: germline. Inheritance: Autosomal dominant inheritance. Affected: yes.

NM_004522.3(KIF5C):c.2023+187T>C

Gene: KIF5C (kinesin family member 5C; plus strand). Cytogenetic location: 2q23.1.
Variant type: single nucleotide variant.
Coding change: c.2023+187T>C on transcript NM_004522.3 (MANE Select); 187 bases into the intron after coding-DNA position 2023, T replaced by C.
Molecular consequence: intron variant.
Genome position (GRCh38, 1-based): chr2:148,994,725, T>C. VCF-style: chr2-148994725-T-C. GRCh37 (hg19) VCF-style: chr2-149851239-T-C.
Identifiers: ClinVar variation 677566 (VCV000677566.2), dbSNP rs6434628, ClinGen allele CA57591472.